The following is an entry in ClinVar:

NM_000069.3(CACNA1S):c.4345G>C (p.Val1449Leu)

Gene: CACNA1S (calcium voltage-gated channel subunit alpha1 S; minus strand). Cytogenetic location: 1q32.1.
Variant type: single nucleotide variant.
Coding change: c.4345G>C on transcript NM_000069.3 (MANE Select); coding-DNA position 4345, G replaced by C.
Protein change: p.Val1449Leu; replaces valine 1449 with leucine.
Molecular consequence: missense variant.
Genome position (GRCh38, 1-based): chr1:201,048,678, C>G on the plus strand (G>C on the coding strand, the complement: CACNA1S is on the minus strand). VCF-style: chr1-201048678-C-G. GRCh37 (hg19) VCF-style: chr1-201017806-C-G.
Other names: short protein forms V1449L.
Identifiers: ClinVar variation 4527172 (VCV004527172.1).

ClinVar aggregate classification (germline): Uncertain significance (1 of 4 stars; one submission).

gnomAD v4.1: 5 of 1,612,966 alleles (0.00031%); highest among the groups gnomAD compares: Admixed American, 0.0017%; no homozygotes.

Submission:

GeneDx
Classification: Uncertain significance. Last evaluated: 2025-04-17. Review status: criteria provided, single submitter. Criteria: GeneDx Variant Classification Process June 2021. Collection method: clinical testing. Allele origin: germline. Affected: yes.
Comment: Not observed at significant frequency in large population cohorts (gnomAD); In silico analysis supports that this missense variant has a deleterious effect on protein structure/function; Has not been previously published as pathogenic or benign to our knowledge